The following is an entry in ClinVar:

NM_020461.4(TUBGCP6):c.4879G>A (p.Val1627Ile)

Gene: TUBGCP6 (tubulin gamma complex component 6; minus strand). Cytogenetic location: 22q13.33.
Variant type: single nucleotide variant.
Coding change: c.4879G>A on transcript NM_020461.4 (MANE Select); coding-DNA position 4879, G replaced by A.
Protein change: p.Val1627Ile; replaces valine 1627 with isoleucine.
Molecular consequence: missense variant.
Genome position (GRCh38, 1-based): chr22:50,218,563, C>T on the plus strand (G>A on the coding strand, the complement: TUBGCP6 is on the minus strand). VCF-style: chr22-50218563-C-T. GRCh37 (hg19) VCF-style: chr22-50656992-C-T.
Other names: c.4879G>A (NM_020461.3); short protein forms V1627I.
Identifiers: ClinVar variation 1960147 (VCV001960147.3), dbSNP rs371715787, ClinGen allele CA10307285.
Genomic context (GRCh38, chr22:50,218,563, plus strand): 5'-GGAAGCAGACGTCCTTGAGCGCCCACATCATGAGCTTCAGCTGCAGCAGGAAGGAGAAGA[C>T]GCCGCTGTACTTGCTCACGCAGCCCTCGGTGATGACAATGTTGAGAGGCCAGTCCACCTG-3'
Protein context (NP_065194.3, residues 1617-1637): TEGCVSKYSG[Val1627Ile]FSFLLQLKLM

ClinVar aggregate classification (germline): Conflicting classifications of pathogenicity. Review status: criteria provided, conflicting classifications (1 of 4 stars). 2 submissions from 2 submitters: Uncertain significance (1); Likely benign (1). Last evaluated 2023-12-14.

Conditions:
Inborn genetic diseases. Identifiers: MedGen C0950123, MeSH D030342.

Allele frequency attached by ClinVar (database versions not stated): gnomAD exomes 0.00002; ExAC 0.00003; gnomAD 0.00003; TOPMed 0.00004; ESP Exome Variant Server 0.00008.
gnomAD v4.1: 27 of 1,613,684 alleles (0.0017%); highest among the groups gnomAD compares: African/African-American, 0.011%; no homozygotes.

Submissions (2):

Ambry Genetics
Classification: Likely benign for Inborn genetic diseases. Last evaluated: 2023-12-14. Review status: criteria provided, single submitter. Criteria: Ambry Variant Classification Scheme 2023. Collection method: clinical testing. Allele origin: germline.

Labcorp Genetics (formerly Invitae), Labcorp
Classification: Uncertain significance. Last evaluated: 2022-07-07. Review status: criteria provided, single submitter. Criteria: Invitae Variant Classification Sherloc (09022015). Collection method: clinical testing. Allele origin: germline.
Comment: This sequence change replaces valine, which is neutral and non-polar, with isoleucine, which is neutral and non-polar, at codon 1627 of the TUBGCP6 protein (p.Val1627Ile). The frequency data for this variant in the population databases is considered unreliable, as metrics indicate poor data quality at this position in the gnomAD database. This variant has not been reported in the literature in individuals affected with TUBGCP6-related conditions. Algorithms developed to predict the effect of missense changes on protein structure and function output the following: SIFT: "Tolerated"; PolyPhen-2: "Benign"; Align-GVGD: "Class C0". The isoleucine amino acid residue is found in multiple mammalian species, which suggests that this missense change does not adversely affect protein function. In summary, the available evidence is currently insufficient to determine the role of this variant in disease. Therefore, it has been classified as a Variant of Uncertain Significance.